The following is an entry in ClinVar:

NM_002354.3(EPCAM):c.608C>G (p.Thr203Ser)

Gene: EPCAM (epithelial cell adhesion molecule; plus strand). Cytogenetic location: 2p21.
Variant type: single nucleotide variant.
Coding change: c.608C>G on transcript NM_002354.3 (MANE Select); coding-DNA position 608, C replaced by G.
Protein change: p.Thr203Ser; replaces threonine 203 with serine.
Molecular consequence: missense variant.
Genome position (GRCh38, 1-based): chr2:47,379,005, C>G. VCF-style: chr2-47379005-C-G. GRCh37 (hg19) VCF-style: chr2-47606144-C-G.
Other names: short protein forms T203S.
Identifiers: ClinVar variation 3275820 (VCV003275820.1).

ClinVar aggregate classification (germline): Uncertain significance (1 of 4 stars; one submission).

Conditions:
Hereditary cancer-predisposing syndrome. Also called: Tumor predisposition; Hereditary Cancer Syndrome; Hereditary neoplastic syndrome; Neoplastic Syndromes, Hereditary. Identifiers: Orphanet 140162, MedGen C0027672, MeSH D009386, MONDO:0015356.

Submission:

Ambry Genetics
Classification: Uncertain significance for Hereditary cancer-predisposing syndrome. Last evaluated: 2024-06-11. Review status: criteria provided, single submitter. Criteria: Ambry Variant Classification Scheme 2023. Collection method: clinical testing. Allele origin: germline.
Comment: The p.T203S variant (also known as c.608C>G), located in coding exon 6 of the EPCAM gene, results from a C to G substitution at nucleotide position 608. The threonine at codon 203 is replaced by serine, an amino acid with similar properties. This amino acid position is conserved. In addition, this alteration is predicted to be tolerated by in silico analysis. Based on the available evidence, the clinical significance of this variant remains unclear.